The following is an entry in ClinVar:

NM_173728.4(ARHGEF15):c.1944G>A (p.Arg648=)

Gene: ARHGEF15 (Rho guanine nucleotide exchange factor 15; plus strand). Cytogenetic location: 17p13.1.
Variant type: single nucleotide variant.
Coding change: c.1944G>A on transcript NM_173728.4 (MANE Select); coding-DNA position 1944, G replaced by A.
Protein change: p.Arg648=; no amino-acid change (arginine 648 retained).
Molecular consequence: synonymous variant.
Genome position (GRCh38, 1-based): chr17:8,318,821, G>A. VCF-style: chr17-8318821-G-A. GRCh37 (hg19) VCF-style: chr17-8222139-G-A.
Other names: c.1944G>A, p.Arg648= (NM_025014.2).
Identifiers: ClinVar variation 696460 (VCV000696460.14), dbSNP rs201714597, ClinGen allele CA8375361.

ClinVar aggregate classification (germline): Benign. Review status: criteria provided, single submitter (1 of 4 stars). 2 submissions from 2 submitters: Benign (1). 1 of the submissions does not count toward it. Last evaluated 2025-12-16.

Conditions:
Early-infantile DEE. Also called: Early infantile epileptic encephalopathy with suppression bursts; Early infantile epileptic encephalopathy; Ohtahara syndrome. Identifiers: Orphanet 1934, MedGen C0393706, MONDO:0800491.
ARHGEF15-related disorder. Also called: ARHGEF15-related condition.

Allele frequency attached by ClinVar (database versions not stated): TOPMed 0.00006; ESP Exome Variant Server 0.00008; 1000 Genomes Project 30x 0.00062; 1000 Genomes Project 0.00080.
gnomAD v4.1: 389 of 1,613,640 alleles (0.024%); highest among the groups gnomAD compares: South Asian, 0.19%; no homozygotes.

Submissions (2):

Labcorp Genetics (formerly Invitae), Labcorp
Classification: Benign for Early-infantile DEE. Last evaluated: 2025-12-16. Review status: criteria provided, single submitter. Criteria: Invitae Variant Classification Sherloc (09022015). Collection method: clinical testing. Allele origin: germline.

PreventionGenetics, part of Exact Sciences
Classification: Likely benign for ARHGEF15-related condition. Last evaluated: 2019-08-14. Review status: no assertion criteria provided. Collection method: clinical testing. Allele origin: germline. Not counted in ClinVar's aggregate classification.
Comment: This variant is classified as likely benign based on ACMG/AMP sequence variant interpretation guidelines (Richards et al. 2015 PMID: 25741868, with internal and published modifications).